The following is an entry in ClinVar:

NM_001845.6(COL4A1):c.2144G>A (p.Arg715His)

Gene: COL4A1 (collagen type IV alpha 1 chain; minus strand). Cytogenetic location: 13q34.
Variant type: single nucleotide variant.
Coding change: c.2144G>A on transcript NM_001845.6 (MANE Select); coding-DNA position 2144, G replaced by A.
Protein change: p.Arg715His; replaces arginine 715 with histidine.
Molecular consequence: missense variant.
Genome position (GRCh38, 1-based): chr13:110,181,341, C>T on the plus strand (G>A on the coding strand, the complement: COL4A1 is on the minus strand). VCF-style: chr13-110181341-C-T. GRCh37 (hg19) VCF-style: chr13-110833688-C-T.
Other names: c.2144G>A (NM_001845.5); short protein forms R715H.
Identifiers: ClinVar variation 995282 (VCV000995282.11), dbSNP rs199573161, ClinGen allele CA7047690.

ClinVar aggregate classification (germline): Conflicting classifications of pathogenicity. Review status: criteria provided, conflicting classifications (1 of 4 stars). 7 submissions from 7 submitters: Uncertain significance (2); Benign (2); Likely benign (3). Last evaluated 2026-01-21.

Conditions:
Microangiopathy and leukoencephalopathy, pontine, autosomal dominant. Also called: DEMENTIA, HEREDITARY MULTI-INFARCT, SWEDISH TYPE; Pontine autosomal dominant microangiopathy with leukoencephalopathy. Identifiers: Orphanet 477749, MedGen C5231411, MONDO:0032814, OMIM 618564.
Autosomal dominant familial hematuria-retinal arteriolar tortuosity-contractures syndrome. Also called: Angiopathy, hereditary, with nephropathy, aneurysms, and muscle cramps; Hereditary Angiopathy with Nephropathy, Aneurysms, and Muscle Cramps (HANAC) Syndrome. Identifiers: Orphanet 73229, MedGen C2673195, MONDO:0012726, OMIM 611773.
Retinal arterial tortuosity. Also called: RETINAL HEMORRHAGE WITH VASCULAR TORTUOSITY; Retinal arteries, tortuosity of. Identifiers: Orphanet 75326, MedGen C0423401, MONDO:0008373, OMIM 180000, HP:0000631.
Hemorrhage, intracerebral, susceptibility to (ICH). Also called: Stroke, hemorrhagic, susceptibility to. Identifiers: MedGen C3281105, MONDO:0100533, OMIM 614519.
Brain small vessel disease 1 with or without ocular anomalies (BSVD1). Also called: Brain small vessel disease with or without ocular anomalies; PORENCEPHALY, TYPE 1, AUTOSOMAL DOMINANT; GOULD SYNDROME 1; BRAIN SMALL VESSEL DISEASE WITH HEMORRHAGE. Identifiers: Orphanet 2940, Orphanet 36383, Orphanet 99810, MedGen C4755307, MONDO:0008289, OMIM 175780.
COL4A1-related disorder. Also called: COL4A1-related disorders; COL4A1-related condition. Identifiers: MedGen CN376119, MONDO:0800461.

Allele frequency attached by ClinVar (database versions not stated): ESP Exome Variant Server 0.00008; TOPMed 0.00009.
gnomAD v4.1: 143 of 1,613,504 alleles (0.0089%); highest among the groups gnomAD compares: Middle Eastern, 0.082%; no homozygotes.

Submissions (7):

Labcorp Genetics (formerly Invitae), Labcorp
Classification: Likely benign. Last evaluated: 2026-01-21. Review status: criteria provided, single submitter. Criteria: Invitae Variant Classification Sherloc (09022015). Collection method: clinical testing. Allele origin: germline.

PreventionGenetics, part of Exact Sciences
Classification: Uncertain significance for COL4A1-related condition. Last evaluated: 2025-03-24. Review status: criteria provided, single submitter. Criteria: ACMG Guidelines, 2015. Collection method: clinical testing. Allele origin: germline.
Comment: The COL4A1 c.2144G>A variant is predicted to result in the amino acid substitution p.Arg715His. To our knowledge, this variant has not been reported in the literature. This variant is reported in 0.027% of alleles in individuals of European (Non-Finnish) descent in gnomAD. Although we suspect that this variant may be benign, at this time, the clinical significance of this variant is uncertain due to the absence of conclusive functional and genetic evidence.

GeneDx
Classification: Uncertain significance. Last evaluated: 2024-10-29. Review status: criteria provided, single submitter. Criteria: GeneDx Variant Classification Process June 2021. Collection method: clinical testing. Allele origin: germline. Affected: yes.
Comment: In silico analysis indicates that this missense variant does not alter protein structure/function; Has not been previously published as pathogenic or benign to our knowledge

Blueprint Genetics
Classification: Likely benign. Last evaluated: 2024-08-20. Review status: criteria provided, single submitter. Criteria: ACMG Guidelines, 2015. Collection method: clinical testing. Allele origin: germline.

Fulgent Genetics
Classification: Likely benign for Brain small vessel disease 1 with or without ocular anomalies; Retinal arterial tortuosity; Autosomal dominant familial hematuria-retinal arteriolar tortuosity-contractures syndrome; Hemorrhage, intracerebral, susceptibility to; Microangiopathy and leukoencephalopathy, pontine, autosomal dominant. Last evaluated: 2021-12-21. Review status: criteria provided, single submitter. Criteria: ACMG Guidelines, 2015. Collection method: clinical testing. Allele origin: unknown.

Athena Diagnostics
Classification: Benign. Last evaluated: 2019-12-20. Review status: criteria provided, single submitter. Criteria: Athena Diagnostics Criteria. Collection method: clinical testing. Allele origin: unknown.

Breakthrough Genomics
Classification: Benign. Review status: criteria provided, single submitter. Criteria: ACMG Guidelines, 2015. Collection method: not provided. Allele origin: germline. Inheritance: Autosomal dominant inheritance. Affected: yes.